The following is an entry in ClinVar:

NM_022124.6(CDH23):c.287A>T (p.Glu96Val)

Genes: CDH23 (cadherin related 23; plus strand), CDH23-AS1 (CDH23 antisense RNA 1; minus strand). Cytogenetic location: 10q22.1.
Variant type: single nucleotide variant.
Coding change: c.287A>T on transcript NM_022124.6 (MANE Select); coding-DNA position 287, A replaced by T.
Protein change: p.Glu96Val; replaces glutamic acid 96 with valine.
Molecular consequence: missense variant.
Genome position (GRCh38, 1-based): chr10:71,510,223, A>T. VCF-style: chr10-71510223-A-T. GRCh37 (hg19) VCF-style: chr10-73269980-A-T.
Other names: c.287A>T, p.Glu96Val (NM_001171930.2, NM_001171931.2, NM_001171932.2 and 1 more transcripts); short protein forms E96V.
Identifiers: ClinVar variation 1687472 (VCV001687472.1), dbSNP rs2132196489, ClinGen allele CA377114707.

ClinVar aggregate classification (germline): Uncertain significance (1 of 4 stars; one submission).

Conditions:
Autosomal recessive nonsyndromic hearing loss 12. Also called: DEAFNESS, AUTOSOMAL RECESSIVE 12. Identifiers: Orphanet 90636, MedGen C1832394, MONDO:0011067, OMIM 601386.

Submission:

3billion
Classification: Uncertain significance for Autosomal recessive nonsyndromic hearing loss 12. Last evaluated: 2022-05-22. Review status: criteria provided, single submitter. Criteria: ACMG Guidelines, 2015. Collection method: clinical testing. Allele origin: germline. Affected: yes. Observed: 1 heterozygote.
Comment: The variant is not observed in the gnomAD v2.1.1 dataset. In silico tool predictions suggest damaging effect of the variant on gene or gene product (REVEL: 0.83; 3Cnet: 0.41). Therefore, this variant is classified as uncertain significanceaccording to the recommendation of ACMG/AMP guideline.